The following is an entry in ClinVar:

ClinVar aggregate classification (germline): Pathogenic (1 of 4 stars; one submission).

Conditions:
Hereditary cancer-predisposing syndrome. Also called: Neoplastic Syndromes, Hereditary; Tumor predisposition; Hereditary Cancer Syndrome; Hereditary neoplastic syndrome. Identifiers: Orphanet 140162, MedGen C0027672, MeSH D009386, MONDO:0015356.

gnomAD v4.1: 1 of 1,614,006 alleles (0.000062%); no homozygotes.

Submission:

Ambry Genetics
Classification: Pathogenic for Hereditary cancer-predisposing syndrome. Last evaluated: 2026-03-19. Review status: criteria provided, single submitter. Criteria: Ambry Variant Classification Scheme 2023. Collection method: clinical testing. Allele origin: germline.
Comment: The p.E595* variant (also known as c.1783G>T), located in coding exon 13 of the SDHA gene, results from a G to T substitution at nucleotide position 1783. This changes the amino acid from a glutamic acid to a stop codon within coding exon 13. In silico splice site analysis predicts that this alteration will weaken the native splice donor site and will result in the creation or strengthening of a novel splice donor site. RNA studies have demonstrated that this variant results in abnormal splicing in the set of samples tested (Ambry internal data). This variant is considered to be rare based on population cohorts in the Genome Aggregation Database (gnomAD). This alteration is expected to result in loss of function by premature protein truncation or nonsense-mediated mRNA decay. As such, this alteration is interpreted as a disease-causing mutation.

NM_004168.4(SDHA):c.1783G>T (p.Glu595Ter)

Gene: SDHA (succinate dehydrogenase complex flavoprotein subunit A; plus strand). Cytogenetic location: 5p15.33.
Variant type: single nucleotide variant.
Coding change: c.1783G>T on transcript NM_004168.4 (MANE Select); coding-DNA position 1783, G replaced by T.
Protein change: p.Glu595Ter; replaces glutamic acid 595 with a stop codon.
Molecular consequence: nonsense. On other transcripts: intron variant (1).
Genome position (GRCh38, 1-based): chr5:251,457, G>T. VCF-style: chr5-251457-G-T. GRCh37 (hg19) VCF-style: chr5-251572-G-T.
Other names: c.1639G>T, p.Glu547Ter (NM_001294332.2); c.1552-2936G>T (NM_001330758.2); short protein forms E547*, E595*.
Identifiers: ClinVar variation 4864212 (VCV004864212.1).